The following is an entry in ClinVar:

NM_006445.4(PRPF8):c.5548C>T (p.Arg1850Ter)

Gene: PRPF8 (pre-mRNA processing factor 8; minus strand). Cytogenetic location: 17p13.3.
Variant type: single nucleotide variant.
Coding change: c.5548C>T on transcript NM_006445.4 (MANE Select); coding-DNA position 5548, C replaced by T.
Protein change: p.Arg1850Ter; replaces arginine 1850 with a stop codon.
Molecular consequence: nonsense.
Genome position (GRCh38, 1-based): chr17:1,656,719, G>A on the plus strand (C>T on the coding strand, the complement: PRPF8 is on the minus strand). VCF-style: chr17-1656719-G-A. GRCh37 (hg19) VCF-style: chr17-1560013-G-A.
Other names: short protein forms R1850*.
Identifiers: ClinVar variation 855649 (VCV000855649.8), dbSNP rs368223523, ClinGen allele CA286856976.
Genomic context (GRCh38, chr17:1,656,719, plus strand): 5'-CCAGCATGCCCTTCCTGGTGACAATGATCTGCTTGGGCTGCTCCTCCACAGGCAGAGATC[G>A]GATCAGGGCGGCCACCTCCTCAGCTGTCTTCCACTTAGCCAACTTAAAAGCAAGAGAGAA-3'

ClinVar aggregate classification (germline): Pathogenic (1 of 4 stars; one submission).

Allele frequency attached by ClinVar (database versions not stated): gnomAD exomes below 0.00001; ESP Exome Variant Server 0.00008.
gnomAD v4.1: 1 of 1,614,062 alleles (0.000062%); highest among the groups gnomAD compares: Non-Finnish European, 0.000085%; no homozygotes.

Submission:

Labcorp Genetics (formerly Invitae), Labcorp
Classification: Pathogenic. Last evaluated: 2024-04-17. Review status: criteria provided, single submitter. Criteria: Invitae Variant Classification Sherloc (09022015). Collection method: clinical testing. Allele origin: germline.
Comment: This sequence change creates a premature translational stop signal (p.Arg1850*) in the PRPF8 gene. It is expected to result in an absent or disrupted protein product. Loss-of-function variants in PRPF8 are known to be pathogenic (PMID: 27208204, 31054281, 33946315). This variant is not present in population databases (gnomAD no frequency). This variant has not been reported in the literature in individuals affected with PRPF8-related conditions. ClinVar contains an entry for this variant (Variation ID: 855649). For these reasons, this variant has been classified as Pathogenic.

Literature cited by the submitters: PubMed 27208204; PubMed 31054281; PubMed 33946315.